The following is an entry in ClinVar:

ClinVar aggregate classification (germline): Uncertain significance (1 of 4 stars; one submission).

Allele frequency attached by ClinVar (database versions not stated): gnomAD exomes below 0.00001.

Submission:

GeneDx
Classification: Uncertain significance. Last evaluated: 2016-04-27. Review status: criteria provided, single submitter. Criteria: GeneDx Variant Classification (06012015). Collection method: clinical testing. Allele origin: germline. Affected: yes.
Comment: The N3S variant has not been published as a pathogenic variant, nor has it been reported as a benign variant to our knowledge. Data from control individuals was not available to assess whether N3S may be a common benign variant in the general population. The N3S variant is a conservative amino acid substitution, which is not likely to impact secondary protein structure as these residues share similar properties. In silico analysis is inconsistent in its predictions as to whether or not the variant is damaging to the protein structure/function. Furthermore, the N3S variant occurs in an alternate transcript where no pathogenic variants have been reported in the Human Gene Mutation Database in association with LMNA-related disorders (Stenson et al., 2014). Nevertheless, this substitution occurs at a position that is conserved across species.

NM_170707.4(LMNA):c.357-4406A>G

Genes: LMNA (lamin A/C; plus strand), LOC129931599 (ATAC-STARR-seq lymphoblastoid active region 1845; plus strand). Cytogenetic location: 1q22.
Variant type: single nucleotide variant.
Coding change: c.357-4406A>G on transcript NM_170707.4 (MANE Select); 4406 bases into the intron before coding-DNA position 357, A replaced by G.
Molecular consequence: intron variant. On other transcripts: missense variant (1), 5 prime UTR variant (1).
Genome position (GRCh38, 1-based): chr1:156,126,211, A>G. VCF-style: chr1-156126211-A-G. GRCh37 (hg19) VCF-style: chr1-156096002-A-G.
Other names: c.8A>G, p.Asn3Ser (NM_001257374.3); c.-80A>G (NM_001282624.2); c.357-4406A>G (NM_001282625.2, NM_001282626.2, NM_170708.4 and 1 more transcripts); short protein forms N3S.
Identifiers: ClinVar variation 246579 (VCV000246579.2), dbSNP rs879254318, ClinGen allele CA10584115.
Genomic context (GRCh38, chr1:156,126,211, plus strand): 5'-AGGGGCTGGGAGACCCTCTGCTCTTCTGCTCCCTTCCTGTGTGCTGCCTGGCAATGGGGA[A>G]CTCTGAGGGCTGGTGAGCAGGGCTGCTGAGGAGTGGGTCTAAGGAGTCCCTGCAGGGCTG-3'